The following is an entry in ClinVar:

NM_000228.3(LAMB3):c.1133-2A>G

Gene: LAMB3 (laminin subunit beta 3; minus strand). Cytogenetic location: 1q32.2.
Variant type: single nucleotide variant.
Coding change: c.1133-2A>G on transcript NM_000228.3 (MANE Select); the canonical splice acceptor site of the intron before coding-DNA position 1133, A replaced by G.
Molecular consequence: splice acceptor variant.
Genome position (GRCh38, 1-based): chr1:209,628,192, T>C on the plus strand (A>G on the coding strand, the complement: LAMB3 is on the minus strand). VCF-style: chr1-209628192-T-C. GRCh37 (hg19) VCF-style: chr1-209801537-T-C.
Other names: c.1133-2A>G (NM_001127641.1, NM_001017402.2).
Identifiers: ClinVar variation 2848382 (VCV002848382.3), dbSNP rs2464838895, ClinGen allele CA344592066.

ClinVar aggregate classification (germline): Likely pathogenic (1 of 4 stars; one submission).

Submission:

Labcorp Genetics (formerly Invitae), Labcorp
Classification: Likely pathogenic. Last evaluated: 2023-03-22. Review status: criteria provided, single submitter. Criteria: Invitae Variant Classification Sherloc (09022015). Collection method: clinical testing. Allele origin: germline.
Comment: This sequence change affects an acceptor splice site in intron 10 of the LAMB3 gene. It is expected to disrupt RNA splicing. Variants that disrupt the donor or acceptor splice site typically lead to a loss of protein function (PMID: 16199547), and loss-of-function variants in LAMB3 are known to be pathogenic (PMID: 11023379, 16473856). This variant is not present in population databases (gnomAD no frequency). This variant has not been reported in the literature in individuals affected with LAMB3-related conditions. Algorithms developed to predict the effect of sequence changes on RNA splicing suggest that this variant may disrupt the consensus splice site. In summary, the currently available evidence indicates that the variant is pathogenic, but additional data are needed to prove that conclusively. Therefore, this variant has been classified as Likely Pathogenic.

Literature cited by the submitters: PubMed 16199547; PubMed 11023379; PubMed 16473856.